The following is an entry in ClinVar:

ClinVar aggregate classification (germline): Uncertain significance. Review status: criteria provided, multiple submitters, no conflicts (2 of 4 stars). 2 submissions from 2 submitters: Uncertain significance (2). Last evaluated 2026-06-02.

Conditions:
Hereditary cancer-predisposing syndrome. Also called: Tumor predisposition; Hereditary neoplastic syndrome; Neoplastic Syndromes, Hereditary; Hereditary Cancer Syndrome. Identifiers: Orphanet 140162, MedGen C0027672, MeSH D009386, MONDO:0015356.
Oligodontia-cancer predisposition syndrome. Also called: TOOTH AGENESIS-COLORECTAL CANCER SYNDROME. Identifiers: Orphanet 300576, MedGen C1837750, MONDO:0012075, OMIM 608615. Disease mechanism: loss of function.

Allele frequency attached by ClinVar (database versions not stated): gnomAD exomes below 0.00001.
gnomAD v4.1: 3 of 1,613,858 alleles (0.00019%); highest among the groups gnomAD compares: Non-Finnish European, 0.00025%; no homozygotes.

Submissions (2):

Ambry Genetics
Classification: Uncertain significance for Hereditary cancer-predisposing syndrome. Last evaluated: 2026-06-02. Review status: criteria provided, single submitter. Criteria: Ambry Variant Classification Scheme 2023. Collection method: clinical testing. Allele origin: germline.
Comment: The p.K798Q variant (also known as c.2392A>C), located in coding exon 9 of the AXIN2 gene, results from an A to C substitution at nucleotide position 2392. The lysine at codon 798 is replaced by glutamine, an amino acid with similar properties. This amino acid position is highly conserved in available vertebrate species. In addition, the in silico prediction for this alteration is inconclusive. Based on the available evidence, the clinical significance of this variant remains unclear.

Labcorp Genetics (formerly Invitae), Labcorp
Classification: Uncertain significance for Oligodontia-cancer predisposition syndrome. Last evaluated: 2022-08-09. Review status: criteria provided, single submitter. Criteria: Invitae Variant Classification Sherloc (09022015). Collection method: clinical testing. Allele origin: germline.
Comment: This sequence change replaces lysine, which is basic and polar, with glutamine, which is neutral and polar, at codon 798 of the AXIN2 protein (p.Lys798Gln). This variant is not present in population databases (gnomAD no frequency). This variant has not been reported in the literature in individuals affected with AXIN2-related conditions. Algorithms developed to predict the effect of missense changes on protein structure and function are either unavailable or do not agree on the potential impact of this missense change (SIFT: "Deleterious"; PolyPhen-2: "Probably Damaging"; Align-GVGD: "Class C0"). In summary, the available evidence is currently insufficient to determine the role of this variant in disease. Therefore, it has been classified as a Variant of Uncertain Significance. ClinVar contains an entry for this variant (Variation ID: 533198).

NM_004655.4(AXIN2):c.2392A>C (p.Lys798Gln)

Gene: AXIN2 (axin 2; minus strand). Cytogenetic location: 17q24.1.
Variant type: single nucleotide variant.
Coding change: c.2392A>C on transcript NM_004655.4 (MANE Select); coding-DNA position 2392, A replaced by C.
Protein change: p.Lys798Gln; replaces lysine 798 with glutamine.
Molecular consequence: missense variant.
Genome position (GRCh38, 1-based): chr17:65,533,925, T>G on the plus strand (A>C on the coding strand, the complement: AXIN2 is on the minus strand). VCF-style: chr17-65533925-T-G. GRCh37 (hg19) VCF-style: chr17-63530043-T-G.
Other names: c.2392A>C (LRG_296t1); c.2197A>C, p.Lys733Gln (NM_001363813.1); short protein forms K798Q, K733Q.
Identifiers: ClinVar variation 533198 (VCV000533198.9), dbSNP rs1555576349, ClinGen allele CA400675342.